The following is an entry in ClinVar:

NM_001374736.1(DST):c.16703C>T (p.Thr5568Ile)

Gene: DST (dystonin; minus strand). Cytogenetic location: 6p12.1.
Variant type: single nucleotide variant.
Coding change: c.16703C>T on transcript NM_001374736.1 (MANE Select); coding-DNA position 16703, C replaced by T.
Protein change: p.Thr5568Ile; replaces threonine 5568 with isoleucine.
Molecular consequence: missense variant.
Genome position (GRCh38, 1-based): chr6:56,536,846, G>A on the plus strand (C>T on the coding strand, the complement: DST is on the minus strand). VCF-style: chr6-56536846-G-A. GRCh37 (hg19) VCF-style: chr6-56401644-G-A.
Other names: c.10346C>T, p.Thr3449Ile (NM_001144769.5); c.9932C>T, p.Thr3311Ile (NM_001144770.2); c.16703C>T, p.Thr5568Ile (NM_001374722.1); c.16070C>T, p.Thr5357Ile (NM_001374729.1); c.9812C>T, p.Thr3271Ile (NM_001374730.1, NM_001386100.1, NM_183380.4); c.16730C>T, p.Thr5577Ile (NM_001374734.1); c.8834C>T, p.Thr2945Ile (NM_015548.5); short protein forms T3271I, T3311I, T5568I, T2945I, T5357I, T3449I, T5577I.
Identifiers: ClinVar variation 2171678 (VCV002171678.3), dbSNP rs372497920, ClinGen allele CA3867616.
Genomic context (GRCh38, chr6:56,536,846, plus strand): 5'-TTGAGAGTCTTCCACCGTGCATTGACATCATCCAGGTCATGCTCCAAGCCCTGAGTGCTA[G>A]TGCTTTTGGCAGCACTCTGAATAAGGCCTTGACCTAACCAGTTTACATCTTGCTGTTTAC-3'
Protein context (NP_001361665.1, residues 5558-5578): QGLIQSAAKS[Thr5568Ile]STQGLEHDLD

ClinVar aggregate classification (germline): Uncertain significance. Review status: criteria provided, multiple submitters, no conflicts (2 of 4 stars). 2 submissions from 2 submitters: Uncertain significance (2). Last evaluated 2026-04-01.

Conditions:
Hereditary sensory and autonomic neuropathy type 6. Also called: HSAN VI; Neuropathy, hereditary sensory and autonomic, type VI. Identifiers: Orphanet 314381, MedGen C3539003, MONDO:0013839, OMIM 614653.
Epidermolysis bullosa simplex 3, localized or generalized intermediate, with BP230 deficiency (EBS3). Also called: Epidermolysis bullosa simplex due to BP230 deficiency; Epidermolysis bullosa simplex, autosomal recessive 2. Identifiers: Orphanet 412181, MedGen C3809470, MONDO:0014180, OMIM 615425.

Allele frequency attached by ClinVar (database versions not stated): TOPMed below 0.00001; ExAC 0.00001; gnomAD exomes 0.00001; ESP Exome Variant Server 0.00008.
gnomAD v4.1: 11 of 1,613,178 alleles (0.00068%); highest among the groups gnomAD compares: Non-Finnish European, 0.00085%; no homozygotes.

Submissions (2):

CeGaT Center for Human Genetics Tuebingen
Classification: Uncertain significance. Last evaluated: 2026-04-01. Review status: criteria provided, single submitter. Criteria: CeGaT Center For Human Genetics Tuebingen Variant Classification Criteria Version 2. Collection method: clinical testing. Allele origin: germline. Affected: yes. Observed: 1 variant allele.
Comment: DST: PM2, BP4

Labcorp Genetics (formerly Invitae), Labcorp
Classification: Uncertain significance for Epidermolysis bullosa simplex 3, localized or generalized intermediate, with BP230 deficiency; Hereditary sensory and autonomic neuropathy type 6. Last evaluated: 2022-02-17. Review status: criteria provided, single submitter. Criteria: Invitae Variant Classification Sherloc (09022015). Collection method: clinical testing. Allele origin: germline.
Comment: The DST gene has multiple clinically relevant transcripts. This variant occurs in alternate transcript NM_015548.4, and corresponds to NM_001723.5:c.*78671C>T in the primary transcript. This sequence change replaces threonine, which is neutral and polar, with isoleucine, which is neutral and non-polar, at codon 2945 of the DST protein (p.Thr2945Ile). This variant is present in population databases (rs372497920, gnomAD 0.0009%). This variant has not been reported in the literature in individuals affected with DST-related conditions. Experimental studies and prediction algorithms are not available or were not evaluated, and the functional significance of this variant is currently unknown. In summary, the available evidence is currently insufficient to determine the role of this variant in disease. Therefore, it has been classified as a Variant of Uncertain Significance.